The following is an entry in ClinVar:

ClinVar aggregate classification (germline): Likely benign. Review status: criteria provided, multiple submitters, no conflicts (2 of 4 stars). 7 submissions from 7 submitters: Likely benign (6). 1 of the submissions does not count toward it. Last evaluated 2025-12-07.

Conditions:
FLNC-related disorder. Also called: FLNC-related disorders; FLNC-related condition.
Cardiovascular phenotype. Identifiers: MedGen CN230736.
Myofibrillar myopathy 5. Also called: Filaminopathy (type); FILAMINOPATHY, AUTOSOMAL DOMINANT. Identifiers: Orphanet 171445, MedGen C1836050, MONDO:0012289, OMIM 609524.
Distal myopathy with posterior leg and anterior hand involvement. Also called: WILLIAMS DISTAL MYOPATHY. Identifiers: Orphanet 63273, MedGen C3279722, MONDO:0013550, OMIM 614065.
Hypertrophic cardiomyopathy 26. Also called: Cardiomyopathy, familial hypertrophic, 26. Identifiers: Orphanet 75249, MedGen C4310749, MONDO:0014883, OMIM 617047.

Allele frequency attached by ClinVar (database versions not stated): ExAC 0.00003; gnomAD exomes 0.00003; TOPMed 0.00004; gnomAD 0.00005 and 0.00006.
gnomAD v4.1: 126 of 1,613,836 alleles (0.0078%); highest among the groups gnomAD compares: Middle Eastern, 0.016%; no homozygotes.

Submissions (7):

Labcorp Genetics (formerly Invitae), Labcorp
Classification: Likely benign for Distal myopathy with posterior leg and anterior hand involvement; Myofibrillar myopathy 5; Hypertrophic cardiomyopathy 26. Last evaluated: 2025-12-07. Review status: criteria provided, single submitter. Criteria: Invitae Variant Classification Sherloc (09022015). Collection method: clinical testing. Allele origin: germline.

Mayo Clinic Laboratories, Mayo Clinic
Classification: Likely benign. Last evaluated: 2025-06-26. Review status: criteria provided, single submitter. Criteria: ACMG Guidelines, 2015. Collection method: clinical testing. Allele origin: germline. Observed: 1 variant allele.
Comment: BP4, BP7

Women's Health and Genetics/Laboratory Corporation of America, LabCorp
Classification: Likely benign. Last evaluated: 2025-04-25. Review status: criteria provided, single submitter. Criteria: LabCorp Variant Classification Summary - May 2015. Collection method: clinical testing. Allele origin: germline.

Molecular Diagnostic Laboratory for Inherited Cardiovascular Disease, Montreal Heart Institute
Classification: Likely benign. Last evaluated: 2025-04-09. Review status: criteria provided, single submitter. Criteria: ACMG Guidelines, 2015. Collection method: clinical testing. Allele origin: germline. Affected: no.

Blueprint Genetics
Classification: Likely benign. Last evaluated: 2022-09-30. Review status: criteria provided, single submitter. Criteria: ACMG Guidelines, 2015. Collection method: clinical testing. Allele origin: germline.

Ambry Genetics
Classification: Likely benign for Cardiovascular phenotype. Last evaluated: 2020-01-21. Review status: criteria provided, single submitter. Criteria: Ambry Variant Classification Scheme 2023. Collection method: clinical testing. Allele origin: germline.

PreventionGenetics, part of Exact Sciences
Classification: Likely benign for FLNC-related condition. Last evaluated: 2019-04-25. Review status: no assertion criteria provided. Collection method: clinical testing. Allele origin: germline. Not counted in ClinVar's aggregate classification.
Comment: This variant is classified as likely benign based on ACMG/AMP sequence variant interpretation guidelines (Richards et al. 2015 PMID: 25741868, with internal and published modifications).

NM_001458.5(FLNC):c.3927C>T (p.Asp1309=)

Gene: FLNC (filamin C; plus strand). Cytogenetic location: 7q32.1.
Variant type: single nucleotide variant.
Coding change: c.3927C>T on transcript NM_001458.5 (MANE Select); coding-DNA position 3927, C replaced by T.
Protein change: p.Asp1309=; no amino-acid change (aspartic acid 1309 retained).
Molecular consequence: synonymous variant.
Genome position (GRCh38, 1-based): chr7:128,846,126, C>T. VCF-style: chr7-128846126-C-T. GRCh37 (hg19) VCF-style: chr7-128486180-C-T.
Other names: p.Asp1309=; c.3927C>T, p.Asp1309= (NM_001127487.2).
Identifiers: ClinVar variation 1153553 (VCV001153553.17), dbSNP rs761297336, ClinGen allele CA4475175.